The following is an entry in ClinVar:

NM_000135.4(FANCA):c.2459G>T (p.Ser820Ile)

Gene: FANCA (FA complementation group A; minus strand). Cytogenetic location: 16q24.3.
Variant type: single nucleotide variant.
Coding change: c.2459G>T on transcript NM_000135.4 (MANE Select); coding-DNA position 2459, G replaced by T.
Protein change: p.Ser820Ile; replaces serine 820 with isoleucine.
Molecular consequence: missense variant.
Genome position (GRCh38, 1-based): chr16:89,769,882, C>A on the plus strand (G>T on the coding strand, the complement: FANCA is on the minus strand). VCF-style: chr16-89769882-C-A. GRCh37 (hg19) VCF-style: chr16-89836290-C-A.
Other names: c.2459G>T, p.Ser820Ile (NM_001286167.3); short protein forms S820I.
Identifiers: ClinVar variation 4856896 (VCV004856896.2).
Genomic context (GRCh38, chr16:89,769,882, plus strand): 5'-GGAAGAAGAGCTCACTTCAGGCAGAAGAACAAGGAATCCCTCGTCCTACAGGTCAGGAGG[C>A]TGTCAAAGAGCGCAGGGACAGGAAGGCCAGCACCAGGTGCAGGAGGACCCACATCCACCT-3'
Protein context (NP_000126.2, residues 810-830): AGLPVPALFD[Ser820Ile]LLTCRTRDSL

ClinVar aggregate classification (germline): Uncertain significance (1 of 4 stars; one submission).

Submission:

Dasa
Classification: Uncertain significance. Last evaluated: 2026-01-12. Review status: criteria provided, single submitter. Criteria: DASA Assertion Criteria. Collection method: clinical testing. Allele origin: germline.
Comment: NM_000135.4(FANCA):c.2459G>T (p.Ser820Ile) is a missense variant that results in the substitution of serine with isoleucine. This variant is rare in population databases. The currently available literature and clinical evidence are not sufficient to establish a definitive association between this variant and the reported condition. Therefore, this variant is classified as a variant of uncertain significance.